The following is an entry in ClinVar:

ClinVar aggregate classification (germline): Uncertain significance (1 of 4 stars; one submission).

Conditions:
Peutz-Jeghers syndrome (PJS). Also called: Peutz-Jeghers polyposis; Periorificial lentiginosis syndrome; POLYPOSIS, HAMARTOMATOUS INTESTINAL; POLYPS-AND-SPOTS SYNDROME. Identifiers: Orphanet 2869, MedGen C0031269, MeSH D010580, MONDO:0008280, OMIM 175200.

Submission:

Labcorp Genetics (formerly Invitae), Labcorp
Classification: Uncertain significance for Peutz-Jeghers syndrome. Last evaluated: 2023-07-10. Review status: criteria provided, single submitter. Criteria: Invitae Variant Classification Sherloc (09022015). Collection method: clinical testing. Allele origin: germline.
Comment: This sequence change replaces asparagine, which is neutral and polar, with aspartic acid, which is acidic and polar, at codon 94 of the STK11 protein (p.Asn94Asp). In summary, the available evidence is currently insufficient to determine the role of this variant in disease. Therefore, it has been classified as a Variant of Uncertain Significance. Advanced modeling of protein sequence and biophysical properties (such as structural, functional, and spatial information, amino acid conservation, physicochemical variation, residue mobility, and thermodynamic stability) performed at Invitae indicates that this missense variant is expected to disrupt STK11 protein function. This variant has not been reported in the literature in individuals affected with STK11-related conditions. This variant is not present in population databases (gnomAD no frequency).

NM_000455.5(STK11):c.280A>G (p.Asn94Asp)

Gene: STK11 (serine/threonine kinase 11; plus strand). Cytogenetic location: 19p13.3.
Variant type: single nucleotide variant.
Coding change: c.280A>G on transcript NM_000455.5 (MANE Select); coding-DNA position 280, A replaced by G.
Protein change: p.Asn94Asp; replaces asparagine 94 with aspartic acid.
Molecular consequence: missense variant. On other transcripts: non-coding transcript variant (1).
Genome position (GRCh38, 1-based): chr19:1,207,193, A>G. VCF-style: chr19-1207193-A-G. GRCh37 (hg19) VCF-style: chr19-1207192-A-G.
Other names: c.280A>G, p.Asn94Asp (NM_001407255.1); short protein forms N94D.
Identifiers: ClinVar variation 2740475 (VCV002740475.3), dbSNP rs2145405992, ClinGen allele CA402944618.